The following is an entry in ClinVar:

ClinVar aggregate classification (germline): Uncertain significance (1 of 4 stars; one submission).

Conditions:
Ataxia-telangiectasia syndrome (AT). Also called: Ataxia-telangiectasia, complementation group D; AT, COMPLEMENTATION GROUP C; ATAXIA-TELANGIECTASIA, COMPLEMENTATION GROUP A; ATAXIA-TELANGIECTASIA, FRESNO VARIANT; Ataxia-telangiectasia; Ataxia-telangiectasia, complementation group E. Identifiers: Orphanet 100, MedGen C0004135, MONDO:0008840, OMIM 208900.

Submission:

Labcorp Genetics (formerly Invitae), Labcorp
Classification: Uncertain significance for Ataxia-telangiectasia syndrome. Last evaluated: 2024-04-24. Review status: criteria provided, single submitter. Criteria: Invitae Variant Classification Sherloc (09022015). Collection method: clinical testing. Allele origin: germline.
Comment: This sequence change falls in intron 52 of the ATM gene. It does not directly change the encoded amino acid sequence of the ATM protein. This variant is not present in population databases (gnomAD no frequency). This variant has not been reported in the literature in individuals affected with ATM-related conditions. Algorithms developed to predict the effect of sequence changes on RNA splicing suggest that this variant may disrupt the consensus splice site. In summary, the available evidence is currently insufficient to determine the role of this variant in disease. Therefore, it has been classified as a Variant of Uncertain Significance.

NM_000051.4(ATM):c.7789-6T>G

Genes: ATM (ATM serine/threonine kinase; plus strand), C11orf65 (chromosome 11 open reading frame 65; minus strand). Cytogenetic location: 11q22.3.
Variant type: single nucleotide variant.
Coding change: c.7789-6T>G on transcript NM_000051.4 (MANE Select); 6 bases into the intron before coding-DNA position 7789, T replaced by G.
Molecular consequence: intron variant.
Genome position (GRCh38, 1-based): chr11:108,332,756, T>G. VCF-style: chr11-108332756-T-G. GRCh37 (hg19) VCF-style: chr11-108203483-T-G.
Other names: c.7789-6T>G (NM_001351834.2); c.641-23685A>C (NM_001330368.2); c.*38+2464A>C (NM_001351110.2).
Identifiers: ClinVar variation 3650747 (VCV003650747.2).